The following is an entry in ClinVar:

NM_007294.4(BRCA1):c.5176A>C (p.Arg1726=)

Gene: BRCA1 (BRCA1 DNA repair associated; minus strand). Cytogenetic location: 17q21.31.
Variant type: single nucleotide variant.
Coding change: c.5176A>C on transcript NM_007294.4 (MANE Select); coding-DNA position 5176, A replaced by C.
Protein change: p.Arg1726=; no amino-acid change (arginine 1726 retained).
Molecular consequence: synonymous variant.
Genome position (GRCh38, 1-based): chr17:43,063,350, T>G on the plus strand (A>C on the coding strand, the complement: BRCA1 is on the minus strand). VCF-style: chr17-43063350-T-G. GRCh37 (hg19) VCF-style: chr17-41215367-T-G.
Other names: c.1723A>C, p.Arg575= (NM_001408459.1, NM_001408460.1, NM_001408461.1 and 7 more transcripts); c.1720A>C, p.Arg574= (NM_001408468.1, NM_001408469.1, NM_001408470.1); c.1864A>C, p.Arg622= (NM_001408472.1, NM_007298.4, NM_007299.4 and 13 more transcripts); c.1861A>C, p.Arg621= (NM_001408473.1, NM_001408392.1, NM_001408396.1 and 8 more transcripts); c.1666A>C, p.Arg556= (NM_001408474.1); c.1663A>C, p.Arg555= (NM_001408475.1, NM_001408476.1); c.1657A>C, p.Arg553= (NM_001408478.1, NM_001408479.1, NM_001408480.1); c.1654A>C, p.Arg552= (NM_001408481.1, NM_001408482.1, NM_001408483.1 and 5 more transcripts); and 72 more.
Identifiers: ClinVar variation 868774 (VCV000868774.3), dbSNP rs80357501, ClinGen allele CA500146048.

Conditions:
Breast-ovarian cancer, familial, susceptibility to, 1 (BROVCA1). Also called: BRCA1 Hereditary Breast and Ovarian Cancer; OVARIAN CANCER, SUSCEPTIBILITY TO. Identifiers: Orphanet 145, MedGen C2676676, MONDO:0011450, OMIM 604370. Disease mechanism: loss of function.

Submission:

Brotman Baty Institute, University of Washington
No classification provided (evidence only). Condition: Breast-ovarian cancer, familial 1. Review status: no classification provided. Collection method: in vitro. Allele origin: not applicable. Functional consequence: functionally_normal.
ClinVar note: "not provided" was previously submitted as the classification for the variant. However, the classification appeared to be based only on an observation of functional data so it was converted to no classification on 2025-07-30.